The following is an entry in ClinVar:

ClinVar aggregate classification (germline): Likely benign. Review status: criteria provided, multiple submitters, no conflicts (2 of 4 stars). 2 submissions from 2 submitters: Likely benign (2). Last evaluated 2023-09-29.

Allele frequency attached by ClinVar (database versions not stated): gnomAD 0.00001; gnomAD exomes 0.00001; TOPMed 0.00003.
gnomAD v4.1: 20 of 1,614,072 alleles (0.0012%); highest among the groups gnomAD compares: Non-Finnish European, 0.0016%; no homozygotes.

Submissions (2):

Blueprint Genetics
Classification: Likely benign. Last evaluated: 2023-09-29. Review status: criteria provided, single submitter. Criteria: ACMG Guidelines, 2015. Collection method: clinical testing. Allele origin: germline.

CeGaT Center for Human Genetics Tuebingen
Classification: Likely benign. Last evaluated: 2023-03-01. Review status: criteria provided, single submitter. Criteria: CeGaT Center For Human Genetics Tuebingen Variant Classification Criteria Version 2. Collection method: clinical testing. Allele origin: germline. Affected: yes. Observed: 1 variant allele.
Comment: KCNQ5: BP4, BP7, BS2

NM_019842.4(KCNQ5):c.2352T>C (p.Leu784=)

Gene: KCNQ5 (potassium voltage-gated channel subfamily Q member 5; plus strand). Cytogenetic location: 6q13.
Variant type: single nucleotide variant.
Coding change: c.2352T>C on transcript NM_019842.4 (MANE Select); coding-DNA position 2352, T replaced by C.
Protein change: p.Leu784=; no amino-acid change (leucine 784 retained).
Molecular consequence: synonymous variant.
Genome position (GRCh38, 1-based): chr6:73,194,967, T>C. VCF-style: chr6-73194967-T-C. GRCh37 (hg19) VCF-style: chr6-73904690-T-C.
Other names: c.2325T>C, p.Leu775= (NM_001160130.2); c.2382T>C, p.Leu794= (NM_001160132.2); c.2409T>C, p.Leu803= (NM_001160133.2); c.2022T>C, p.Leu674= (NM_001160134.2).
Identifiers: ClinVar variation 2499017 (VCV002499017.29), dbSNP rs754195879, ClinGen allele CA140918011.